The following is an entry in ClinVar:

ClinVar aggregate classification (germline): Likely benign (1 of 4 stars; one submission).

gnomAD v4.1: 8 of 1,612,236 alleles (0.0005%); highest among the groups gnomAD compares: Admixed American, 0.013%; no homozygotes.

Submission:

CeGaT Center for Human Genetics Tuebingen
Classification: Likely benign. Last evaluated: 2026-07-01. Review status: criteria provided, single submitter. Criteria: CeGaT Center For Human Genetics Tuebingen Variant Classification Criteria Version 2. Collection method: clinical testing. Allele origin: germline. Affected: yes. Observed: 2 variant alleles.
Comment: CTBP1: BP4, BP7

NM_001012614.2(CTBP1):c.162+25C>T

Gene: CTBP1 (C-terminal binding protein 1; minus strand). Cytogenetic location: 4p16.3.
Variant type: single nucleotide variant.
Coding change: c.162+25C>T on transcript NM_001012614.2 (MANE Select); 25 bases into the intron after coding-DNA position 162, C replaced by T.
Molecular consequence: intron variant.
Genome position (GRCh38, 1-based): chr4:1,238,158, G>A on the plus strand (C>T on the coding strand, the complement: CTBP1 is on the minus strand). VCF-style: chr4-1238158-G-A. GRCh37 (hg19) VCF-style: chr4-1231946-G-A.
Other names: c.162+25C>T (NM_001377192.1, NM_001377189.1, NM_001377193.1 and 4 more transcripts); c.195+25C>T (NM_001328.3, NM_001377186.1).
Identifiers: ClinVar variation 4874731 (VCV004874731.2).